The following is an entry in ClinVar:

ClinVar aggregate classification (germline): Likely pathogenic. Review status: criteria provided, multiple submitters, no conflicts (2 of 4 stars). 2 submissions from 2 submitters: Likely pathogenic (2). Last evaluated 2022-12-15.

Conditions:
Autosomal recessive congenital ichthyosis 1 (LI1). Also called: COLLODION FETUS; DESQUAMATION OF NEWBORN; ICHTHYOSIS, CONGENITAL, AUTOSOMAL RECESSIVE 1, WITH BATHING SUIT DISTRIBUTION; ICHTHYOSIS, CONGENITAL, AUTOSOMAL RECESSIVE 1, WITH OR WITHOUT BATHING SUIT DISTRIBUTION; ICHTHYOSIS CONGENITA; ICHTHYOSIS CONGENITA II. Identifiers: MedGen C4551630, MONDO:0009441, OMIM 242300.

Submissions (2):

Diagnostics Services (NGS), CSIR - Centre For Cellular And Molecular Biology
Classification: Likely pathogenic for Autosomal recessive congenital ichthyosis 1. Last evaluated: 2022-12-15. Review status: criteria provided, single submitter. Criteria: ACMG Guidelines, 2015. Collection method: clinical testing. Allele origin: unknown. Affected: no. Observed: 1 variant allele, 1 heterozygote.
Comment: This variant is not present in publicly available population databases like 1000 Genomes, EVS, ExAC, gnomAD, Indian Exome Database or our in-house exome database. This variant has neither been published in literature nor reported to clinical databases like ClinVar, Human Genome Mutation Database (HGMD) or OMIM, in any affected individuals. In silico pathogenicity prediction programs like MutationTaster2, CADD, Varsome, Franklin etc predicted this variant to be likely deleterious. This variation creates a premature translational stop signal at the 292nd amino acid position of the original transcript, which may either result in translation of a truncated protein or cause nonsense mediated decay of the mRNA..

Lifecell International Pvt. Ltd
Classification: Likely pathogenic for Autosomal recessive congenital ichthyosis 1. Review status: criteria provided, single submitter. Criteria: ACMG Guidelines, 2015. Collection method: clinical testing. Allele origin: germline. Inheritance: Autosomal recessive inheritance. Affected: yes. Observed: 1 homozygote.
Comment: A Homozygote, Nonsense variant c.874C>T in Exon 5 of the TGM1 gene that results in the amino acid substitution p.Gln292* was identified. The observed variant is novel in gnomAD exomes and genomes, respectively. The severity of the impact of this variant on the protein is high, based on the effect of the protein and REVEL score . Rare Exome Variant Ensemble Learner (REVEL) is an ensembl method for predicting the pathogenicity of missense variants based on a combination of scores from 13 individual tools: MutPred, FATHMM v2.3, VEST 3.0, PolyPhen-2, SIFT, PROVEAN, MutationAssessor, MutationTaster, LRT, GERP++, SiPhy, phyloP, and phastCons. The REVEL score for an individual missense variant can range from 0 to 1, with higher scores reflecting greater likelihood that the variant is disease-causing. Based on the above evidence this variant has been classified as Likely Pathogenic according to the ACMG guidelines.

NM_000359.3(TGM1):c.874C>T (p.Gln292Ter)

Gene: TGM1 (transglutaminase 1; minus strand). Cytogenetic location: 14q12.
Variant type: single nucleotide variant.
Coding change: c.874C>T on transcript NM_000359.3 (MANE Select); coding-DNA position 874, C replaced by T.
Protein change: p.Gln292Ter; replaces glutamine 292 with a stop codon.
Molecular consequence: nonsense.
Genome position (GRCh38, 1-based): chr14:24,259,942, G>A on the plus strand (C>T on the coding strand, the complement: TGM1 is on the minus strand). VCF-style: chr14-24259942-G-A. GRCh37 (hg19) VCF-style: chr14-24729148-G-A.
Other names: short protein forms Q292*.
Identifiers: ClinVar variation 1806489 (VCV001806489.4), dbSNP rs2502503991, ClinGen allele CA389269378.